The following is an entry in ClinVar:

ClinVar aggregate classification (germline): Uncertain significance (1 of 4 stars; one submission).

Conditions:
Hereditary cancer-predisposing syndrome. Also called: Neoplastic Syndromes, Hereditary; Tumor predisposition; Hereditary neoplastic syndrome; Hereditary Cancer Syndrome. Identifiers: Orphanet 140162, MedGen C0027672, MeSH D009386, MONDO:0015356.

Submission:

Ambry Genetics
Classification: Uncertain significance for Hereditary cancer-predisposing syndrome. Last evaluated: 2024-01-24. Review status: criteria provided, single submitter. Criteria: Ambry Variant Classification Scheme 2023. Collection method: clinical testing. Allele origin: germline.
Comment: The p.I1020T variant (also known as c.3059T>C), located in coding exon 21 of the PDGFRA gene, results from a T to C substitution at nucleotide position 3059. The isoleucine at codon 1020 is replaced by threonine, an amino acid with similar properties. This amino acid position is conserved. In addition, the in silico prediction for this alteration is inconclusive. Based on the available evidence, the clinical significance of this alteration remains unclear.

NM_006206.6(PDGFRA):c.3059T>C (p.Ile1020Thr)

Gene: PDGFRA (platelet derived growth factor receptor alpha; plus strand). Cytogenetic location: 4q12.
Variant type: single nucleotide variant.
Coding change: c.3059T>C on transcript NM_006206.6 (MANE Select); coding-DNA position 3059, T replaced by C.
Protein change: p.Ile1020Thr; replaces isoleucine 1020 with threonine.
Molecular consequence: missense variant.
Genome position (GRCh38, 1-based): chr4:54,290,491, T>C. VCF-style: chr4-54290491-T-C. GRCh37 (hg19) VCF-style: chr4-55156658-T-C.
Other names: c.3134T>C, p.Ile1045Thr (NM_001347828.2); c.3059T>C, p.Ile1020Thr (NM_001347829.2); c.3098T>C, p.Ile1033Thr (NM_001347830.2); short protein forms I1020T, I1033T, I1045T.
Identifiers: ClinVar variation 3225301 (VCV003225301.1), dbSNP rs2475566232, ClinGen allele CA356896293.